The following is an entry in ClinVar:

NM_001042492.3(NF1):c.6091A>T (p.Met2031Leu)

Gene: NF1 (neurofibromin 1; plus strand). Cytogenetic location: 17q11.2.
Variant type: single nucleotide variant.
Coding change: c.6091A>T on transcript NM_001042492.3 (MANE Select); coding-DNA position 6091, A replaced by T.
Protein change: p.Met2031Leu; replaces methionine 2031 with leucine.
Molecular consequence: missense variant.
Genome position (GRCh38, 1-based): chr17:31,336,417, A>T. VCF-style: chr17-31336417-A-T. GRCh37 (hg19) VCF-style: chr17-29663435-A-T.
Other names: c.6028A>T, p.Met2010Leu (NM_000267.4); short protein forms M2031L, M2010L.
Identifiers: ClinVar variation 1751155 (VCV001751155.7), dbSNP rs2151553431, ClinGen allele CA399011309.

ClinVar aggregate classification (germline): Uncertain significance. Review status: criteria provided, multiple submitters, no conflicts (2 of 4 stars). 2 submissions from 2 submitters: Uncertain significance (2). Last evaluated 2025-03-25.

Conditions:
Neurofibromatosis, type 1 (NF1). Also called: Peripheral type neurofibromatosis; VON RECKLINGHAUSEN DISEASE; NEUROFIBROMATOSIS, TYPE I, SOMATIC; Neurofibromatosis, type I. Identifiers: Orphanet 636, MedGen C0027831, MONDO:0018975, OMIM 162200. Disease mechanism: loss of function.
Cardiovascular phenotype. Identifiers: MedGen CN230736.
Hereditary cancer-predisposing syndrome. Also called: Neoplastic Syndromes, Hereditary; Tumor predisposition; Hereditary neoplastic syndrome; Hereditary Cancer Syndrome. Identifiers: Orphanet 140162, MedGen C0027672, MeSH D009386, MONDO:0015356.

Allele frequency attached by ClinVar (database versions not stated): gnomAD exomes below 0.00001.
gnomAD v4.1: 2 of 1,614,134 alleles (0.00012%); highest among the groups gnomAD compares: Non-Finnish European, 0.00017%; no homozygotes.

Submissions (2):

Labcorp Genetics (formerly Invitae), Labcorp
Classification: Uncertain significance for Neurofibromatosis, type 1. Last evaluated: 2025-03-25. Review status: criteria provided, single submitter. Criteria: Invitae Variant Classification Sherloc (09022015). Collection method: clinical testing. Allele origin: germline.
Comment: This sequence change replaces methionine, which is neutral and non-polar, with leucine, which is neutral and non-polar, at codon 2010 of the NF1 protein (p.Met2010Leu). This variant is not present in population databases (gnomAD no frequency). This variant has not been reported in the literature in individuals affected with NF1-related conditions. ClinVar contains an entry for this variant (Variation ID: 1751155). Invitae Evidence Modeling of protein sequence and biophysical properties (such as structural, functional, and spatial information, amino acid conservation, physicochemical variation, residue mobility, and thermodynamic stability) indicates that this missense variant is not expected to disrupt NF1 protein function with a negative predictive value of 95%. In summary, the available evidence is currently insufficient to determine the role of this variant in disease. Therefore, it has been classified as a Variant of Uncertain Significance.

Ambry Genetics
Classification: Uncertain significance for Cardiovascular phenotype; Hereditary cancer-predisposing syndrome. Last evaluated: 2022-03-07. Review status: criteria provided, single submitter. Criteria: Ambry Variant Classification Scheme 2023. Collection method: clinical testing. Allele origin: germline.
Comment: The p.M2010L variant (also known as c.6028A>T), located in coding exon 40 of the NF1 gene, results from an A to T substitution at nucleotide position 6028. The methionine at codon 2010 is replaced by leucine, an amino acid with highly similar properties. This amino acid position is conserved. In addition, the in silico prediction for this alteration is inconclusive. Since supporting evidence is limited at this time, the clinical significance of this alteration remains unclear.